The following is an entry in ClinVar:

ClinVar aggregate classification (germline): Pathogenic (1 of 4 stars; one submission).

Conditions:
Hereditary cancer-predisposing syndrome. Also called: Neoplastic Syndromes, Hereditary; Tumor predisposition; Hereditary Cancer Syndrome; Hereditary neoplastic syndrome. Identifiers: Orphanet 140162, MedGen C0027672, MeSH D009386, MONDO:0015356.

Submission:

Ambry Genetics
Classification: Pathogenic for Hereditary cancer-predisposing syndrome. Last evaluated: 2019-06-24. Review status: criteria provided, single submitter. Criteria: Ambry Variant Classification Scheme 2023. Collection method: clinical testing. Allele origin: germline.
Comment: The c.2026dupG pathogenic mutation, located in coding exon 13 of the BRIP1 gene, results from a duplication of G at nucleotide position 2026, causing a translational frameshift with a predicted alternate stop codon (p.V676Gfs*41). This alteration is expected to result in loss of function by premature protein truncation or nonsense-mediated mRNA decay. As such, this alteration is interpreted as a disease-causing mutation.

NM_032043.3(BRIP1):c.2026dup (p.Val676fs)

Gene: BRIP1 (BRCA1 interacting DNA helicase 1; minus strand). Cytogenetic location: 17q23.2.
Variant type: Duplication.
Coding change: c.2026dup on transcript NM_032043.3 (MANE Select); coding-DNA position 2026, one base duplicated (G; older notation c.2026dupG).
Protein change: p.Val676fs; shifts the reading frame from valine 676.
Molecular consequence: frameshift variant.
Genome position (GRCh38, 1-based): chr17:61,776,472, C duplicated on the plus strand (G on the coding strand, the reverse complement: BRIP1 is on the minus strand). VCF-style (leftmost placement, unchanged base first): chr17-61776471-A-AC. GRCh37 (hg19) VCF-style: chr17-59853832-A-AC.
Other names: short protein forms V676fs.
Identifiers: ClinVar variation 820540 (VCV000820540.4), dbSNP rs1603328667, ClinGen allele CA915950698.